The following is an entry in ClinVar:

NM_016203.4(PRKAG2):c.608G>A (p.Arg203Lys)

Gene: PRKAG2 (protein kinase AMP-activated non-catalytic subunit gamma 2; minus strand). Cytogenetic location: 7q36.1.
Variant type: single nucleotide variant.
Coding change: c.608G>A on transcript NM_016203.4 (MANE Select); coding-DNA position 608, G replaced by A.
Protein change: p.Arg203Lys; replaces arginine 203 with lysine.
Molecular consequence: missense variant. On other transcripts: intron variant (5).
Genome position (GRCh38, 1-based): chr7:151,675,496, C>T on the plus strand (G>A on the coding strand, the complement: PRKAG2 is on the minus strand). VCF-style: chr7-151675496-C-T. GRCh37 (hg19) VCF-style: chr7-151372582-C-T.
Other names: c.476G>A, p.Arg159Lys (NM_001040633.2, NM_001407024.1, NM_001407026.1 and 1 more transcripts); c.236G>A, p.Arg79Lys (NM_001304527.2, NM_001363698.2, NM_001407028.1 and 1 more transcripts); c.608G>A, p.Arg203Lys (NM_001407021.1, NM_001407022.1, NM_001407023.1); c.290G>A, p.Arg97Lys (NM_001407032.1); c.467-80045G>A (NM_001407031.1); c.467-80042G>A (NM_001407030.1); c.361-43358G>A (NM_001407033.1); c.94+60404G>A (NM_001407037.1); and 1 more; short protein forms R159K, R203K, R79K, R97K.
Identifiers: ClinVar variation 2774169 (VCV002774169.2), dbSNP rs1214686289, ClinGen allele CA370187481.
Genomic context (GRCh38, chr7:151,675,496, plus strand): 5'-TAGTGTGTCGGTGATGCCAGTGGAGGCCTGGTCGGGCTCTGGAAGGAAGACGGGCAGAAC[C>T]TCTGCCCTGTGTCCGGGGGGGAAGACGAGGCATAGATGCGATTCTCTAACCGTTCAGGCT-3'
Protein context (NP_057287.2, residues 193-213): ASSSPPDTGQ[Arg203Lys]FCPSSFQSPT

ClinVar aggregate classification (germline): Uncertain significance (1 of 4 stars; one submission).

Conditions:
Cardiomyopathy (CMYO). Also called: Cardiomyopathies. Identifiers: Orphanet 167848, MedGen C0878544, MONDO:0004994, HP:0001638. Inheritance: Various modes of inheritance.

Allele frequency attached by ClinVar (database versions not stated): gnomAD exomes below 0.00001.
gnomAD v4.1: 7 of 1,614,074 alleles (0.00043%); highest among the groups gnomAD compares: South Asian, 0.0033%; no homozygotes.

Submission:

Color Diagnostics, LLC DBA Color Health
Classification: Uncertain significance for Cardiomyopathy. Last evaluated: 2022-07-28. Review status: criteria provided, single submitter. Criteria: ACMG Guidelines, 2015. Collection method: clinical testing. Allele origin: germline.
Comment: This variant is located in the PRKAG2 protein. Computational prediction is inconclusive regarding the impact of this variant on protein structure and function (internally defined REVEL score threshold 0.5 < inconclusive < 0.7, PMID: 27666373). To our knowledge, functional studies have not been reported for this variant. This variant has been reported in an individual affected with sudden unexplained death, whose postmortem analysis showed normal ECG and lack of cardiac pathology (PMID: 27005929). This variant has been identified in 1/251414 chromosomes in the general population by the Genome Aggregation Database (gnomAD). The available evidence is insufficient to determine the role of this variant in disease conclusively. Therefore, this variant is classified as a Variant of Uncertain Significance.

Literature cited by the submitters: PubMed 27005929.